The following is an entry in ClinVar:

NM_001369.3(DNAH5):c.11803T>A (p.Ser3935Thr)

Gene: DNAH5 (dynein axonemal heavy chain 5; minus strand). Cytogenetic location: 5p15.2.
Variant type: single nucleotide variant.
Coding change: c.11803T>A on transcript NM_001369.3 (MANE Select); coding-DNA position 11803, T replaced by A.
Protein change: p.Ser3935Thr; replaces serine 3935 with threonine.
Molecular consequence: missense variant.
Genome position (GRCh38, 1-based): chr5:13,729,519, A>T on the plus strand (T>A on the coding strand, the complement: DNAH5 is on the minus strand). VCF-style: chr5-13729519-A-T. GRCh37 (hg19) VCF-style: chr5-13729628-A-T.
Other names: short protein forms S3935T.
Identifiers: ClinVar variation 966856 (VCV000966856.48), dbSNP rs145685491, ClinGen allele CA3201832.

ClinVar aggregate classification (germline): Conflicting classifications of pathogenicity. Review status: criteria provided, conflicting classifications (1 of 4 stars). 7 submissions from 7 submitters: Uncertain significance (5); Likely benign (1). 1 of the submissions does not count toward it. Last evaluated 2026-01-06.

Conditions:
DNAH5-related disorder. Also called: DNAH5-related condition.
Primary ciliary dyskinesia. Also called: Ciliary dyskinesia. Identifiers: Orphanet 244, MedGen C0008780, MONDO:0016575, HP:0012265.

Allele frequency attached by ClinVar (database versions not stated): ExAC 0.00009; TOPMed 0.00011; ESP Exome Variant Server 0.00031.
gnomAD v4.1: 117 of 1,613,812 alleles (0.0072%); highest among the groups gnomAD compares: Middle Eastern, 0.066%; no homozygotes.

Submissions (7):

Labcorp Genetics (formerly Invitae), Labcorp
Classification: Likely benign for Primary ciliary dyskinesia. Last evaluated: 2026-01-06. Review status: criteria provided, single submitter. Criteria: Invitae Variant Classification Sherloc (09022015). Collection method: clinical testing. Allele origin: germline.

Ambry Genetics
Classification: Uncertain significance for Primary ciliary dyskinesia. Last evaluated: 2025-02-06. Review status: criteria provided, single submitter. Criteria: Ambry Variant Classification Scheme 2023. Collection method: clinical testing. Allele origin: germline.
Comment: The p.S3935T variant (also known as c.11803T>A), located in coding exon 69 of the DNAH5 gene, results from a T to A substitution at nucleotide position 11803. The serine at codon 3935 is replaced by threonine, an amino acid with similar properties. This amino acid position is poorly conserved in available vertebrate species. In addition, this alteration is predicted to be tolerated by in silico analysis. Since supporting evidence is limited at this time, the clinical significance of this alteration remains unclear.

Blueprint Genetics
Classification: Uncertain significance. Last evaluated: 2024-11-08. Review status: criteria provided, single submitter. Criteria: ACMG Guidelines, 2015. Collection method: clinical testing. Allele origin: germline.

GeneDx
Classification: Uncertain significance. Last evaluated: 2023-12-21. Review status: criteria provided, single submitter. Criteria: GeneDx Variant Classification Process June 2021. Collection method: clinical testing. Allele origin: germline. Affected: yes.
Comment: In silico analysis supports that this missense variant does not alter protein structure/function; Has not been previously published as pathogenic or benign to our knowledge

PreventionGenetics, part of Exact Sciences
Classification: Uncertain significance for DNAH5-related condition. Last evaluated: 2023-01-05. Review status: criteria provided, single submitter. Criteria: ACMG Guidelines, 2015. Collection method: clinical testing. Allele origin: germline.
Comment: The DNAH5 c.11803T>A variant is predicted to result in the amino acid substitution p.Ser3935Thr. To our knowledge, this variant has not been reported in the literature. This variant is reported in 0.017% of alleles in individuals of Latino descent in gnomAD. At this time, the clinical significance of this variant is uncertain due to the absence of conclusive functional and genetic evidence.

CeGaT Center for Human Genetics Tuebingen
Classification: Uncertain significance. Last evaluated: 2022-05-01. Review status: criteria provided, single submitter. Criteria: CeGaT Center For Human Genetics Tuebingen Variant Classification Criteria Version 2. Collection method: clinical testing. Allele origin: germline. Affected: yes. Observed: 1 variant allele.

Natera, Inc.
Classification: Uncertain significance for Primary ciliary dyskinesia. Last evaluated: 2020-05-11. Review status: no assertion criteria provided. Collection method: clinical testing. Allele origin: germline. Not counted in ClinVar's aggregate classification.